The following is an entry in ClinVar:

ClinVar aggregate classification (germline): Uncertain significance (1 of 4 stars; one submission).

Submission:

CeGaT Center for Human Genetics Tuebingen
Classification: Uncertain significance. Last evaluated: 2024-11-01. Review status: criteria provided, single submitter. Criteria: CeGaT Center For Human Genetics Tuebingen Variant Classification Criteria Version 2. Collection method: clinical testing. Allele origin: germline. Affected: yes. Observed: 1 variant allele.
Comment: KIF1A: PM2, BP4

NM_001244008.2(KIF1A):c.2597G>C (p.Gly866Ala)

Gene: KIF1A (kinesin family member 1A; minus strand). Cytogenetic location: 2q37.3.
Variant type: single nucleotide variant.
Coding change: c.2597G>C on transcript NM_001244008.2 (MANE Select); coding-DNA position 2597, G replaced by C.
Protein change: p.Gly866Ala; replaces glycine 866 with alanine.
Molecular consequence: missense variant. On other transcripts: intron variant (19).
Genome position (GRCh38, 1-based): chr2:240,757,580, C>G on the plus strand (G>C on the coding strand, the complement: KIF1A is on the minus strand). VCF-style: chr2-240757580-C-G. GRCh37 (hg19) VCF-style: chr2-241696997-C-G.
Other names: c.2672G>C, p.Gly891Ala (NM_001379631.1); c.2570G>C, p.Gly857Ala (NM_001379633.1, NM_001379642.1, NM_001379645.1); c.2555+780G>C (NM_001379653.1, NM_001379650.1, NM_001379640.1 and 6 more transcripts); c.2657+780G>C (NM_001379635.1, NM_001330290.2, NM_001379646.1 and 1 more transcripts); c.2556-10G>C (NM_001379632.1); c.2630+780G>C (NM_001379637.1, NM_001379648.1); c.2582+780G>C (NM_001320705.2, NM_001379638.1, NM_001330289.2); short protein forms G857A, G866A, G891A.
Identifiers: ClinVar variation 3388803 (VCV003388803.14).